The following is an entry in ClinVar:

ClinVar aggregate classification (germline): Pathogenic (1 of 4 stars; one submission).

Conditions:
Short-rib thoracic dysplasia 13 with or without polydactyly (SRTD13). Identifiers: Orphanet 474, MedGen C4225378, MONDO:0014577, OMIM 616300.

Allele frequency attached by ClinVar (database versions not stated): gnomAD exomes below 0.00001.
gnomAD v4.1: 4 of 1,603,608 alleles (0.00025%); highest among the groups gnomAD compares: Non-Finnish European, 0.00034%; no homozygotes.

Submission:

Labcorp Genetics (formerly Invitae), Labcorp
Classification: Pathogenic for Short-rib thoracic dysplasia 13 with or without polydactyly. Last evaluated: 2023-04-24. Review status: criteria provided, single submitter. Criteria: Invitae Variant Classification Sherloc (09022015). Collection method: clinical testing. Allele origin: germline.
Comment: For these reasons, this variant has been classified as Pathogenic. This variant has not been reported in the literature in individuals affected with CEP120-related conditions. This variant is not present in population databases (gnomAD no frequency). This sequence change creates a premature translational stop signal (p.Lys793*) in the CEP120 gene. It is expected to result in an absent or disrupted protein product. Loss-of-function variants in CEP120 are known to be pathogenic (PMID: 25251415, 27208211).

Literature cited by the submitters: PubMed 25251415; PubMed 27208211.

NM_001375405.1(CEP120):c.2377A>T (p.Lys793Ter)

Gene: CEP120 (centrosomal protein 120; minus strand). Cytogenetic location: 5q23.2.
Variant type: single nucleotide variant.
Coding change: c.2377A>T on transcript NM_001375405.1 (MANE Select); coding-DNA position 2377, A replaced by T.
Protein change: p.Lys793Ter; replaces lysine 793 with a stop codon.
Molecular consequence: nonsense. On other transcripts: non-coding transcript variant (1).
Genome position (GRCh38, 1-based): chr5:123,372,754, T>A on the plus strand (A>T on the coding strand, the complement: CEP120 is on the minus strand). VCF-style: chr5-123372754-T-A. GRCh37 (hg19) VCF-style: chr5-122708448-T-A.
Other names: c.2299A>T, p.Lys767Ter (NM_001166226.2); c.2377A>T, p.Lys793Ter (NM_153223.4, NM_001375407.1); c.2242A>T, p.Lys748Ter (NM_001375406.1); c.1804A>T, p.Lys602Ter (NM_001375408.1, NM_001375409.1); short protein forms K602*, K767*, K748*, K793*.
Identifiers: ClinVar variation 2858930 (VCV002858930.3), dbSNP rs2479788124, ClinGen allele CA360898018.